The following is an entry in ClinVar:

ClinVar aggregate classification (germline): Uncertain significance. Review status: criteria provided, multiple submitters, no conflicts (2 of 4 stars). 3 submissions from 3 submitters: Uncertain significance (3). Last evaluated 2024-05-21.

Conditions:
APC-related disorder. Also called: APC-related condition.
Familial adenomatous polyposis 1 (FAP1). Also called: FAMILIAL ADENOMATOUS POLYPOSIS 1, ATTENUATED; POLYPOSIS, ADENOMATOUS INTESTINAL. Identifiers: MedGen C2713442, MONDO:0021056, OMIM 175100. Disease mechanism: loss of function.
Hereditary cancer-predisposing syndrome. Also called: Neoplastic Syndromes, Hereditary; Tumor predisposition; Hereditary Cancer Syndrome; Hereditary neoplastic syndrome. Identifiers: Orphanet 140162, MedGen C0027672, MeSH D009386, MONDO:0015356.

Allele frequency attached by ClinVar (database versions not stated): TOPMed 0.00001.

Submissions (3):

Labcorp Genetics (formerly Invitae), Labcorp
Classification: Uncertain significance for Familial adenomatous polyposis 1. Last evaluated: 2024-05-21. Review status: criteria provided, single submitter. Criteria: Invitae Variant Classification Sherloc (09022015). Collection method: clinical testing. Allele origin: germline.
Comment: This sequence change replaces glutamine, which is neutral and polar, with arginine, which is basic and polar, at codon 236 of the APC protein (p.Gln236Arg). This variant is not present in population databases (gnomAD no frequency). This variant has not been reported in the literature in individuals affected with APC-related conditions. ClinVar contains an entry for this variant (Variation ID: 482323). Advanced modeling of protein sequence and biophysical properties (such as structural, functional, and spatial information, amino acid conservation, physicochemical variation, residue mobility, and thermodynamic stability) performed at Invitae indicates that this missense variant is not expected to disrupt APC protein function with a negative predictive value of 95%. In summary, the available evidence is currently insufficient to determine the role of this variant in disease. Therefore, it has been classified as a Variant of Uncertain Significance.

Ambry Genetics
Classification: Uncertain significance for Hereditary cancer-predisposing syndrome. Last evaluated: 2023-11-13. Review status: criteria provided, single submitter. Criteria: Ambry Variant Classification Scheme 2023. Collection method: clinical testing. Allele origin: germline.
Comment: The p.Q236R variant (also known as c.707A>G), located in coding exon 6 of the APC gene, results from an A to G substitution at nucleotide position 707. The glutamine at codon 236 is replaced by arginine, an amino acid with highly similar properties. This amino acid position is highly conserved in available vertebrate species. In addition, in silico predictors for this gene do not accurately predict pathogenicity. Since supporting evidence is limited at this time, the clinical significance of this alteration remains unclear.

PreventionGenetics, part of Exact Sciences
Classification: Uncertain significance for APC-related condition. Last evaluated: 2023-03-21. Review status: criteria provided, single submitter. Criteria: ACMG Guidelines, 2015. Collection method: clinical testing. Allele origin: germline.
Comment: The APC c.707A>G variant is predicted to result in the amino acid substitution p.Gln236Arg. To our knowledge, this variant has not been reported in the literature or in a large population database, indicating it is rare. In ClinVar, this variant is interpreted as a variant of uncertain significance. At this time, the clinical significance of this variant is uncertain due to the absence of conclusive functional and genetic evidence.

NM_000038.6(APC):c.707A>G (p.Gln236Arg)

Gene: APC (APC regulator of Wnt signaling pathway; plus strand). Cytogenetic location: 5q22.2.
Variant type: single nucleotide variant.
Coding change: c.707A>G on transcript NM_000038.6 (MANE Select); coding-DNA position 707, A replaced by G.
Protein change: p.Gln236Arg; replaces glutamine 236 with arginine.
Molecular consequence: missense variant. On other transcripts: 5 prime UTR variant (1), intron variant (2).
Genome position (GRCh38, 1-based): chr5:112,792,507, A>G. VCF-style: chr5-112792507-A-G. GRCh37 (hg19) VCF-style: chr5-112128204-A-G.
Other names: c.632A>G, p.Gln211Arg (NM_001354898.2, NM_001354904.2); c.530A>G, p.Gln177Arg (NM_001354900.2, NM_001354901.2, NM_001354905.2); c.737A>G, p.Gln246Arg (NM_001354902.2, NM_001354897.2); c.707A>G, p.Gln236Arg (NM_001354903.2, NM_001127510.3, NM_001354895.2 and 1 more transcripts); c.-329A>G (NM_001354906.2); c.676-8772A>G (NM_001127511.3); c.646-8772A>G (NM_001354899.2); short protein forms Q236R, Q177R, Q211R, Q246R.
Identifiers: ClinVar variation 482323 (VCV000482323.12), dbSNP rs1433658799, ClinGen allele CA16022879.